The following is an entry in ClinVar:

ClinVar aggregate classification (germline): Uncertain significance (1 of 4 stars; one submission).

Allele frequency attached by ClinVar (database versions not stated): gnomAD exomes below 0.00001.
gnomAD v4.1: 1 of 1,610,978 alleles (0.000062%); highest among the groups gnomAD compares: Admixed American, 0.0017%; no homozygotes.

Submission:

CeGaT Center for Human Genetics Tuebingen
Classification: Uncertain significance. Last evaluated: 2024-10-01. Review status: criteria provided, single submitter. Criteria: CeGaT Center For Human Genetics Tuebingen Variant Classification Criteria Version 2. Collection method: clinical testing. Allele origin: germline. Affected: yes. Observed: 4 variant alleles.
Comment: SHANK2: PM2:Supporting, BP1

NM_012309.5(SHANK2):c.3541G>A (p.Gly1181Arg)

Gene: SHANK2 (SH3 and multiple ankyrin repeat domains 2; minus strand). Cytogenetic location: 11q13.3.
Variant type: single nucleotide variant.
Coding change: c.3541G>A on transcript NM_012309.5 (MANE Select); coding-DNA position 3541, G replaced by A.
Protein change: p.Gly1181Arg; replaces glycine 1181 with arginine.
Molecular consequence: missense variant.
Genome position (GRCh38, 1-based): chr11:70,486,752, C>T on the plus strand (G>A on the coding strand, the complement: SHANK2 is on the minus strand). VCF-style: chr11-70486752-C-T. GRCh37 (hg19) VCF-style: chr11-70332857-C-T.
Other names: c.2404G>A, p.Gly802Arg (NM_001379226.1); c.1777G>A, p.Gly593Arg (NM_133266.5); short protein forms G1181R, G593R, G802R.
Identifiers: ClinVar variation 932532 (VCV000932532.39), dbSNP rs1555153851, ClinGen allele CA381686081.